The following is an entry in ClinVar:

ClinVar aggregate classification (germline): Pathogenic (1 of 4 stars; one submission).

Conditions:
Alport syndrome. Also called: Hemorrhagic familial nephritis; Hemorrhagic hereditary nephritis; Congenital hereditary hematuria. Identifiers: Orphanet 63, MedGen C1567741, MONDO:0018965.

Submission:

Myriad Genetics, Inc.
Classification: Pathogenic for Alport syndrome. Last evaluated: 2025-01-20. Review status: criteria provided, single submitter. Criteria: Myriad Autosomal Dominant, Autosomal Recessive and X-Linked Classification Criteria (2023). Collection method: clinical testing. Allele origin: unknown.
Comment: NM_000092.4(COL4A4):c.670C>T(Q224*) is expected to be pathogenic in the context of Alport syndrome, COL4A4-related. This variant is predicted to lead to an abnormal or absent protein product due to the creation of a premature termination codon in COL4A4, a gene where loss-of-function variants are known to be pathogenic. Please note: this variant was assessed in the context of healthy population screening.

NM_000092.5(COL4A4):c.670C>T (p.Gln224Ter)

Gene: COL4A4 (collagen type IV alpha 4 chain; minus strand). Cytogenetic location: 2q36.3.
Variant type: single nucleotide variant.
Coding change: c.670C>T on transcript NM_000092.5 (MANE Select); coding-DNA position 670, C replaced by T.
Protein change: p.Gln224Ter; replaces glutamine 224 with a stop codon.
Molecular consequence: nonsense.
Genome position (GRCh38, 1-based): chr2:227,108,856, G>A on the plus strand (C>T on the coding strand, the complement: COL4A4 is on the minus strand). VCF-style: chr2-227108856-G-A. GRCh37 (hg19) VCF-style: chr2-227973572-G-A.
Other names: short protein forms Q224*.
Identifiers: ClinVar variation 5013986 (VCV005013986.1).